The following is an entry in ClinVar:

ClinVar aggregate classification (germline): Uncertain significance (1 of 4 stars; one submission).

Conditions:
Cardiovascular phenotype. Identifiers: MedGen CN230736.

Submission:

Ambry Genetics
Classification: Uncertain significance for Cardiovascular phenotype. Last evaluated: 2020-08-19. Review status: criteria provided, single submitter. Criteria: Ambry Variant Classification Scheme 2023. Collection method: clinical testing. Allele origin: germline.
Comment: The c.820_822delGAC variant (also known as p.D274del) is located in coding exon 2 of the TNXB gene. This variant results from an in-frame GAC deletion at nucleotide positions 820 to 822. This results in the in-frame deletion of an aspartic acid at codon 274. This amino acid position is well conserved in available vertebrate species. In addition, this alteration is predicted to be deleterious by in silico analysis (Choi Y et al. PLoS ONE. 2012; 7(10):e46688). Since supporting evidence is limited at this time, the clinical significance of this alteration remains unclear.

NM_001365276.2(TNXB):c.817GAC[1] (p.Asp274del)

Gene: TNXB (tenascin XB; minus strand). Cytogenetic location: 6p21.33.
Variant type: Microsatellite.
Coding change: c.817GAC[1] on transcript NM_001365276.2 (MANE Select); one copy of the 3-base unit GAC starting at c.817; the reference has two copies in a row; one copy, 3 bases deleted.
Protein change: p.Asp274del; deletes aspartic acid 274.
Molecular consequence: inframe deletion.
Genome position (GRCh38, 1-based): chr6:32,097,031-32,097,033, GTC deleted on the plus strand (GAC on the coding strand, the reverse complement: TNXB is on the minus strand); deleting any 3 consecutive bases within chr6:32,097,031-32,097,036 gives the same sequence; the position shown is the placement nearest the transcript's 3' end. VCF-style (leftmost placement, unchanged base first): chr6-32097030-AGTC-A. GRCh37 (hg19) VCF-style: chr6-32064807-AGTC-A.
Other names: c.817GAC[1], p.Asp274del (NM_019105.8); short protein forms D274del.
Identifiers: ClinVar variation 1762445 (VCV001762445.2), dbSNP rs1198167198, ClinGen allele CA823936561.
Genomic context (GRCh38, chr6:32,097,030, plus strand): 5'-AGCGCCCATTCTCACAGCGCCCCCTCTGACTGCAACCGCGAGGGCAGCTCCTCATGCCAC[AGTC>A]GTCACCAGTGTAGCCTGGGTCACACACGCAGCGCCCACCCTCACAGCGTCCCCTCTGGCT-3'